The following is an entry in ClinVar:

ClinVar aggregate classification (germline): Conflicting classifications of pathogenicity. Review status: criteria provided, conflicting classifications (1 of 4 stars). 6 submissions from 6 submitters: Uncertain significance (4); Likely benign (1). 1 of the submissions does not count toward it. Last evaluated 2024-07-30.

Conditions:
Breast-ovarian cancer, familial, susceptibility to, 1 (BROVCA1). Also called: BRCA1 Hereditary Breast and Ovarian Cancer; OVARIAN CANCER, SUSCEPTIBILITY TO. Identifiers: Orphanet 145, MedGen C2676676, MONDO:0011450, OMIM 604370. Disease mechanism: loss of function.
Hereditary cancer-predisposing syndrome. Also called: Neoplastic Syndromes, Hereditary; Hereditary neoplastic syndrome; Hereditary Cancer Syndrome; Tumor predisposition. Identifiers: Orphanet 140162, MedGen C0027672, MeSH D009386, MONDO:0015356.
Hereditary breast ovarian cancer syndrome. Also called: Hereditary breast and ovarian cancer syndrome; Breast and ovarian cancer; Hereditary breast and ovarian cancer syndrome (HBOC); Hereditary breast and/or ovarian cancer syndrome; BRCA1- and BRCA2-Associated Hereditary Breast and Ovarian Cancer; Hereditary breast and ovarian cancer. Identifiers: Orphanet 145, MedGen C0677776, MeSH D061325, MONDO:0003582. Disease mechanism: loss of function.
Breast and/or ovarian cancer. Identifiers: MedGen CN221562.

Allele frequency attached by ClinVar (database versions not stated): gnomAD exomes below 0.00001; ExAC 0.00001; gnomAD 0.00001; TOPMed 0.00001; ESP Exome Variant Server 0.00008.
gnomAD v4.1: 3 of 1,613,852 alleles (0.00019%); highest among the groups gnomAD compares: Non-Finnish European, 0.00025%; no homozygotes.

Submissions (6):

Labcorp Genetics (formerly Invitae), Labcorp
Classification: Uncertain significance for Hereditary breast ovarian cancer syndrome. Last evaluated: 2024-07-30. Review status: criteria provided, single submitter. Criteria: Invitae Variant Classification Sherloc (09022015). Collection method: clinical testing. Allele origin: germline.
Comment: This sequence change replaces proline, which is neutral and non-polar, with leucine, which is neutral and non-polar, at codon 977 of the BRCA1 protein (p.Pro977Leu). This variant is present in population databases (rs141465583, gnomAD 0.002%). This missense change has been observed in individual(s) with pancreatic cancer (PMID: 27768182). ClinVar contains an entry for this variant (Variation ID: 409337). Advanced modeling of protein sequence and biophysical properties (such as structural, functional, and spatial information, amino acid conservation, physicochemical variation, residue mobility, and thermodynamic stability) performed at Invitae indicates that this missense variant is not expected to disrupt BRCA1 protein function with a negative predictive value of 95%. Experimental studies have shown that this missense change does not substantially affect BRCA1 function (PMID: 27768182). In summary, the available evidence is currently insufficient to determine the role of this variant in disease. Therefore, it has been classified as a Variant of Uncertain Significance.

Ambry Genetics
Classification: Uncertain significance for Hereditary cancer-predisposing syndrome. Last evaluated: 2024-03-09. Review status: criteria provided, single submitter. Criteria: Ambry Variant Classification Scheme 2023. Collection method: clinical testing. Allele origin: germline.
Comment: The p.P977L variant (also known as c.2930C>T), located in coding exon 9 of the BRCA1 gene, results from a C to T substitution at nucleotide position 2930. The proline at codon 977 is replaced by leucine, an amino acid with similar properties. This amino acid position is not well conserved in available vertebrate species. In addition, the in silico prediction for this alteration is inconclusive. Since supporting evidence is limited at this time, the clinical significance of this alteration remains unclear.

All of Us Research Program, National Institutes of Health
Classification: Uncertain significance for Breast-ovarian cancer, familial, susceptibility to, 1. Last evaluated: 2023-04-03. Review status: criteria provided, single submitter. Criteria: ACMG Guidelines, 2015. Collection method: clinical testing. Allele origin: germline. Inheritance: Autosomal dominant inheritance. Observed: 1 variant allele, 1 heterozygote.
Comment: This missense variant replaces proline with leucine at codon 977 of the BRCA1 protein. Computational prediction is inconclusive regarding the impact of this variant on protein structure and function (internally defined REVEL score threshold 0.5 < inconclusive < 0.7, PMID: 27666373). A functional study has reported this variant does not impact BRCA1 function in rescuing irradiation-induced RAD51 foci formation (PMID: 27768182). This variant has been reported in an individual affected with pancreatic cancer (PMID: 27768182). This variant has been identified in 2/282574 chromosomes in the general population by the Genome Aggregation Database (gnomAD). The available evidence is insufficient to determine the role of this variant in disease conclusively. Therefore, this variant is classified as a Variant of Uncertain Significance.

This study involves interpretation of variants in research participants for the purpose of population health screening. Participant phenotype was not available at the time of variant classification. Additional details can be found in publication PMID: 35346344, PMCID: PMC8962531

University of Washington Department of Laboratory Medicine, University of Washington
Classification: Likely benign for Hereditary cancer-predisposing syndrome. Last evaluated: 2023-03-23. Review status: criteria provided, single submitter. Criteria: Dines et al. (Genet Med. 2020). Collection method: curation. Allele origin: germline.
Comment: Missense variant in a coldspot region where missense variants are very unlikely to be pathogenic (PMID:31911673).

BRCA1 coldspot (exon 11 using historical exon numbering). Reclassification based on statistical prior probability

CHEO Genetics Diagnostic Laboratory, Children's Hospital of Eastern Ontario
Classification: Uncertain significance for Breast and/or ovarian cancer. Last evaluated: 2017-06-15. Review status: criteria provided, single submitter. Criteria: ACMG Guidelines, 2015. Collection method: clinical testing. Allele origin: germline. Study: Canadian Open Genetics Repository.

Department of Pathology and Laboratory Medicine, Sinai Health System
Classification: Uncertain significance. Review status: no assertion criteria provided. Collection method: clinical testing. Allele origin: unknown. Affected: yes. Study: The Canadian Open Genetics Repository (COGR). Not counted in ClinVar's aggregate classification.
Comment: The p.Pro977Leu variant was not identified in the literature, nor was it identified in HGMD, LOVD, COSMIC, ClinVar, GeneInsight VariantWire, BIC or UMD. The variant is listed in the dbSNP database (ID#:rs141465583 ) but no frequency information was provided, thus the prevalence of this variant in the general population could not be determined, NHLBI Exome Sequencing Project (Exome Variant Server) in 1 of 8600 European American alleles, the Exome Aggregation Consortium (ExAC) database (released Oct 20th, 2014) in 1 of 121118 chromosomes (frequency: 0.0000) (or 1 individual from a population of European (Non-Finnish) and none from East Asian/Other/African/Latino/South Asian/European (Finnish) individuals), increasing the likelihood this could be a low frequency benign variant. The p.Pro977 residue is not conserved in mammals and computational analyses (PolyPhen-2, SIFT, AlignGVGD, BLOSUM, MutationTaster) provide inconsistent predictions regarding the impact to the protein; this information is not very predictive of pathogenicity. The variant occurs outside of the splicing consensus sequence and in silico or computational prediction software programs (SpliceSiteFinder, MaxEntScan, NNSPLICE, GeneSplicer, HumanSpliceFinder) do not predict a difference in splicing. In summary, based on the above information, the clinical significance of this variant cannot be determined with certainty at this time. This variant is classified as a variant of unknown significance.

Literature cited by the submitters: PubMed 27768182 (cited by 3 submitters).

NM_007294.4(BRCA1):c.2930C>T (p.Pro977Leu)

Gene: BRCA1 (BRCA1 DNA repair associated; minus strand). Cytogenetic location: 17q21.31.
Variant type: single nucleotide variant.
Coding change: c.2930C>T on transcript NM_007294.4 (MANE Select); coding-DNA position 2930, C replaced by T.
Protein change: p.Pro977Leu; replaces proline 977 with leucine.
Molecular consequence: missense variant. On other transcripts: intron variant (137).
Genome position (GRCh38, 1-based): chr17:43,092,601, G>A on the plus strand (C>T on the coding strand, the complement: BRCA1 is on the minus strand). VCF-style: chr17-43092601-G-A. GRCh37 (hg19) VCF-style: chr17-41244618-G-A.
Other names: c.2720C>T, p.Pro907Leu (NM_001407881.1, NM_001407882.1, NM_001407884.1 and 13 more transcripts); c.2717C>T, p.Pro906Leu (NM_001407915.1, NM_001407916.1, NM_001407917.1 and 9 more transcripts); c.2666C>T, p.Pro889Leu (NM_001407929.1, NM_001407933.1, NM_001407935.1 and 9 more transcripts); c.2663C>T, p.Pro888Leu (NM_001407930.1, NM_001407931.1, NM_001407932.1 and 2 more transcripts); c.2807C>T, p.Pro936Leu (NM_001407937.1, NM_001407674.1, NM_001407675.1 and 19 more transcripts); c.2597C>T, p.Pro866Leu (NM_001407948.1, NM_001407949.1, NM_001407950.1 and 6 more transcripts); c.2594C>T, p.Pro865Leu (NM_001407954.1, NM_001407955.1, NM_001407956.1 and 1 more transcripts); c.2789C>T, p.Pro930Leu (NM_007297.4, NM_001407692.1, NM_001407694.1 and 29 more transcripts); and 41 more; short protein forms P977L, P930L, P865L, P907L, P910L, P866L, P888L, P906L.
Identifiers: ClinVar variation 409337 (VCV000409337.21), dbSNP rs141465583, ClinGen allele CA058213.